The following is an entry in ClinVar:

ClinVar aggregate classification (germline): Uncertain significance (1 of 4 stars; one submission).

Submission:

Women's Health and Genetics/Laboratory Corporation of America, LabCorp
Classification: Uncertain significance. Last evaluated: 2025-07-16. Review status: criteria provided, single submitter. Criteria: LabCorp Variant Classification Summary - May 2015. Collection method: clinical testing. Allele origin: germline.
Comment: Variant summary: FGB c.272A>T (p.Asp91Val) results in a non-conservative amino acid change in the encoded protein sequence. Algorithms developed to predict the effect of missense changes on protein structure and function all suggest that this variant is likely to be disruptive. The variant allele was found at a frequency of 4e-06 in 248050 control chromosomes. The available data on variant occurrences in the general population are insufficient to allow any conclusion about variant significance. To our knowledge, no occurrence of c.272A>T in individuals affected with Afibrinogenemia, Congenital and no experimental evidence demonstrating its impact on protein function have been reported. No submitters have cited clinical-significance assessments for this variant to ClinVar. Based on the evidence outlined above, the variant was classified as uncertain significance.

NM_005141.5(FGB):c.272A>T (p.Asp91Val)

Gene: FGB (fibrinogen beta chain; plus strand). Cytogenetic location: 4q31.3.
Variant type: single nucleotide variant.
Coding change: c.272A>T on transcript NM_005141.5 (MANE Select); coding-DNA position 272, A replaced by T.
Protein change: p.Asp91Val; replaces aspartic acid 91 with valine.
Molecular consequence: missense variant. On other transcripts: intron variant (1).
Genome position (GRCh38, 1-based): chr4:154,565,965, A>T. VCF-style: chr4-154565965-A-T. GRCh37 (hg19) VCF-style: chr4-155487117-A-T.
Other names: c.272A>T, p.Asp91Val (NM_001382759.1, NM_001382760.1, NM_001382761.1 and 4 more transcripts); c.165+107A>T (NM_001184741.1); short protein forms D91V.
Identifiers: ClinVar variation 4525832 (VCV004525832.1).